The following is an entry in ClinVar:

ClinVar aggregate classification (germline): Likely benign (1 of 4 stars; one submission).

Conditions:
Vitamin D-dependent rickets type II with alopecia (VDDR2A). Also called: HYPOCALCEMIC VITAMIN D-RESISTANT RICKETS; Vitamin D-dependent rickets, type 2A; PDDR IIA; PSEUDOVITAMIN D-DEFICIENCY, TYPE IIA; RICKETS, HEREDITARY VITAMIN D-RESISTANT; RICKETS-ALOPECIA SYNDROME. Identifiers: Orphanet 93160, MedGen C0342646, MONDO:0010186, OMIM 277440.

Allele frequency attached by ClinVar (database versions not stated): gnomAD 0.02211 and 0.02365; TOPMed 0.02546; 1000 Genomes Project 0.02855; 1000 Genomes Project 30x 0.02904.

Submission:

Illumina Laboratory Services, Illumina
Classification: Likely benign for Vitamin D-dependent rickets type II with alopecia. Last evaluated: 2018-01-13. Review status: criteria provided, single submitter. Criteria: ICSL Variant Classification Criteria 13 December 2019. Collection method: clinical testing. Allele origin: germline.
Comment: This variant was observed in the ICSL laboratory as part of a predisposition screen in an ostensibly healthy population. It had not been previously curated by ICSL or reported in the Human Gene Mutation Database (HGMD: prior to June 1st, 2018), and was therefore a candidate for classification through an automated scoring system. Utilizing variant allele frequency, disease prevalence and penetrance estimates, and inheritance mode, an automated score was calculated to assess if this variant is too frequent to cause the disease. Based on the score and internal cut-off values, a variant classified as likely benign is not then subjected to further curation. The score for this variant resulted in a classification of likely benign for this disease.

NM_000376.3(VDR):c.*2827A>G

Gene: VDR (vitamin D receptor; minus strand). Cytogenetic location: 12q13.11.
Variant type: single nucleotide variant.
Coding change: c.*2827A>G on transcript NM_000376.3 (MANE Select); 2827 bases downstream of the stop codon, A replaced by G.
Molecular consequence: 3 prime UTR variant.
Genome position (GRCh38, 1-based): chr12:47,841,919, T>C on the plus strand (A>G on the coding strand, the complement: VDR is on the minus strand). VCF-style: chr12-47841919-T-C. GRCh37 (hg19) VCF-style: chr12-48235702-T-C.
Other names: c.*2827A>G (NM_001017535.2, NM_001017536.2, NM_001374661.1 and 1 more transcripts); c.*2626A>G (NM_001364085.2).
Identifiers: ClinVar variation 308815 (VCV000308815.5), dbSNP rs11574138, ClinGen allele CA10632822.